The following is an entry in ClinVar:

NM_001351132.2(PEX5):c.947C>T (p.Thr316Met)

Gene: PEX5 (peroxisomal biogenesis factor 5; plus strand). Cytogenetic location: 12p13.31.
Variant type: single nucleotide variant.
Coding change: c.947C>T on transcript NM_001351132.2 (MANE Select); coding-DNA position 947, C replaced by T.
Protein change: p.Thr316Met; replaces threonine 316 with methionine.
Molecular consequence: missense variant.
Genome position (GRCh38, 1-based): chr12:7,203,532, C>T. VCF-style: chr12-7203532-C-T. GRCh37 (hg19) VCF-style: chr12-7356128-C-T.
Other names: c.923C>T, p.Thr308Met (NM_000319.5); c.992C>T, p.Thr331Met (NM_001131023.2); c.836C>T, p.Thr279Met (NM_001131024.2, NM_001351124.3, NM_001351126.2 and 7 more transcripts); c.947C>T, p.Thr316Met (NM_001131025.2, NM_001131026.2, NM_001300789.3 and 5 more transcripts); c.881C>T, p.Thr294Met (NM_001351135.3, NM_001351138.2); c.812C>T, p.Thr271Met (NM_001351139.2, NM_001351140.2, NM_001374649.2); c.947C>T (NM_001131025.1); short protein forms T279M, T294M, T308M, T271M, T331M, T316M.
Identifiers: ClinVar variation 1427230 (VCV001427230.9), dbSNP rs747529713, ClinGen allele CA232472401.

ClinVar aggregate classification (germline): Uncertain significance. Review status: criteria provided, multiple submitters, no conflicts (2 of 4 stars). 2 submissions from 2 submitters: Uncertain significance (2). Last evaluated 2025-02-20.

Conditions:
Peroxisome biogenesis disorder 2B (PBD2B). Identifiers: Orphanet 44, MedGen C3550234, MONDO:0008736, OMIM 202370.
Inborn genetic diseases. Identifiers: MedGen C0950123, MeSH D030342.

Allele frequency attached by ClinVar (database versions not stated): gnomAD 0.00001.
gnomAD v4.1: 6 of 1,613,674 alleles (0.00037%); highest among the groups gnomAD compares: Admixed American, 0.0017%; no homozygotes.

Submissions (2):

Ambry Genetics
Classification: Uncertain significance for Inborn genetic diseases. Last evaluated: 2025-02-20. Review status: criteria provided, single submitter. Criteria: Ambry Variant Classification Scheme 2023. Collection method: clinical testing. Allele origin: germline.

Labcorp Genetics (formerly Invitae), Labcorp
Classification: Uncertain significance for Peroxisome biogenesis disorder 2B. Last evaluated: 2023-10-03. Review status: criteria provided, single submitter. Criteria: Invitae Variant Classification Sherloc (09022015). Collection method: clinical testing. Allele origin: germline.
Comment: This sequence change replaces threonine, which is neutral and polar, with methionine, which is neutral and non-polar, at codon 316 of the PEX5 protein (p.Thr316Met). This variant is not present in population databases (gnomAD no frequency). This variant has not been reported in the literature in individuals affected with PEX5-related conditions. ClinVar contains an entry for this variant (Variation ID: 1427230). Advanced modeling of protein sequence and biophysical properties (such as structural, functional, and spatial information, amino acid conservation, physicochemical variation, residue mobility, and thermodynamic stability) performed at Invitae indicates that this missense variant is not expected to disrupt PEX5 protein function. In summary, the available evidence is currently insufficient to determine the role of this variant in disease. Therefore, it has been classified as a Variant of Uncertain Significance.